The following is an entry in ClinVar:

ClinVar aggregate classification (germline): Uncertain significance. Review status: criteria provided, multiple submitters, no conflicts (2 of 4 stars). 3 submissions from 3 submitters: Uncertain significance (3). Last evaluated 2025-08-10.

Conditions:
Inborn genetic diseases. Identifiers: MedGen C0950123, MeSH D030342.

Allele frequency attached by ClinVar (database versions not stated): gnomAD exomes 0.00001; ExAC 0.00002; gnomAD 0.00004; ESP Exome Variant Server 0.00008; TOPMed 0.00015.
gnomAD v4.1: 22 of 1,612,136 alleles (0.0014%); highest among the groups gnomAD compares: Admixed American, 0.013%; no homozygotes.

Submissions (3):

Ambry Genetics
Classification: Uncertain significance for Inborn genetic diseases. Last evaluated: 2025-08-10. Review status: criteria provided, single submitter. Criteria: Ambry Variant Classification Scheme 2023. Collection method: clinical testing. Allele origin: germline.

Labcorp Genetics (formerly Invitae), Labcorp
Classification: Uncertain significance. Last evaluated: 2022-10-25. Review status: criteria provided, single submitter. Criteria: Invitae Variant Classification Sherloc (09022015). Collection method: clinical testing. Allele origin: germline.
Comment: This sequence change replaces phenylalanine, which is neutral and non-polar, with cysteine, which is neutral and slightly polar, at codon 905 of the LAMC3 protein (p.Phe905Cys). This variant is present in population databases (rs149470853, gnomAD 0.003%). This variant has not been reported in the literature in individuals affected with LAMC3-related conditions. ClinVar contains an entry for this variant (Variation ID: 279832). Algorithms developed to predict the effect of missense changes on protein structure and function are either unavailable or do not agree on the potential impact of this missense change (SIFT: "Deleterious"; PolyPhen-2: "Probably Damaging"; Align-GVGD: "Class C0"). In summary, the available evidence is currently insufficient to determine the role of this variant in disease. Therefore, it has been classified as a Variant of Uncertain Significance.

GeneDx
Classification: Uncertain significance. Last evaluated: 2017-11-10. Review status: criteria provided, single submitter. Criteria: GeneDx Variant Classification (06012015). Collection method: clinical testing. Allele origin: germline. Affected: yes.
Comment: The F905C variant has not been published as a pathogenic, nor as a benign variant to our knowledge. It was not observed with any significant frequency in approximately 6,500 individuals of European and African American ancestry in the NHLBI Exome Sequencing Project. F905C is a non-conservative amino acid substitution, which is likely to impact secondary protein structure as these residues differ in polarity, charge, size and/or other properties. This substitution occurs at a position that is conserved in mammals, and in silico analysis predicts this variant is probably damaging to the protein structure/function. Based on the currently available information, it is unclear whether this variant is a pathogenic or a rare benign variant.

NM_006059.4(LAMC3):c.2714T>G (p.Phe905Cys)

Gene: LAMC3 (laminin subunit gamma 3; plus strand). Cytogenetic location: 9q34.12.
Variant type: single nucleotide variant.
Coding change: c.2714T>G on transcript NM_006059.4 (MANE Select); coding-DNA position 2714, T replaced by G.
Protein change: p.Phe905Cys; replaces phenylalanine 905 with cysteine.
Molecular consequence: missense variant.
Genome position (GRCh38, 1-based): chr9:131,068,198, T>G. VCF-style: chr9-131068198-T-G. GRCh37 (hg19) VCF-style: chr9-133943585-T-G.
Other names: short protein forms F905C.
Identifiers: ClinVar variation 279832 (VCV000279832.8), dbSNP rs149470853, ClinGen allele CA5287541.